The following is an entry in ClinVar:

NM_024642.5(GALNT12):c.95G>T (p.Gly32Val)

Genes: GALNT12 (polypeptide N-acetylgalactosaminyltransferase 12; plus strand), LOC130002222 (ATAC-STARR-seq lymphoblastoid silent region 20123; plus strand). Cytogenetic location: 9q22.33.
Variant type: single nucleotide variant.
Coding change: c.95G>T on transcript NM_024642.5 (MANE Select); coding-DNA position 95, G replaced by T.
Protein change: p.Gly32Val; replaces glycine 32 with valine.
Molecular consequence: missense variant.
Genome position (GRCh38, 1-based): chr9:98,807,793, G>T. VCF-style: chr9-98807793-G-T. GRCh37 (hg19) VCF-style: chr9-101570075-G-T.
Other names: short protein forms G32V.
Identifiers: ClinVar variation 3713475 (VCV003713475.2).

ClinVar aggregate classification (germline): Uncertain significance (1 of 4 stars; one submission).

Submission:

Labcorp Genetics (formerly Invitae), Labcorp
Classification: Uncertain significance. Last evaluated: 2024-04-02. Review status: criteria provided, single submitter. Criteria: Invitae Variant Classification Sherloc (09022015). Collection method: clinical testing. Allele origin: germline.
Comment: This sequence change replaces glycine, which is neutral and non-polar, with valine, which is neutral and non-polar, at codon 32 of the GALNT12 protein (p.Gly32Val). This variant is not present in population databases (gnomAD no frequency). This variant has not been reported in the literature in individuals affected with GALNT12-related conditions. An algorithm developed to predict the effect of missense changes on protein structure and function (PolyPhen-2) suggests that this variant is likely to be tolerated. In summary, the available evidence is currently insufficient to determine the role of this variant in disease. Therefore, it has been classified as a Variant of Uncertain Significance.